The following is an entry in ClinVar:

NM_007294.4(BRCA1):c.5467+22G>T

Gene: BRCA1 (BRCA1 DNA repair associated; minus strand). Cytogenetic location: 17q21.31.
Variant type: single nucleotide variant.
Coding change: c.5467+22G>T on transcript NM_007294.4 (MANE Select); 22 bases into the intron after coding-DNA position 5467, G replaced by T.
Molecular consequence: intron variant.
Genome position (GRCh38, 1-based): chr17:43,047,621, C>A on the plus strand (G>T on the coding strand, the complement: BRCA1 is on the minus strand). VCF-style: chr17-43047621-C-A. GRCh37 (hg19) VCF-style: chr17-41199638-C-A.
Other names: c.1627+22G>T (NM_001408513.1); c.1891+22G>T (NM_001408503.1, NM_001408502.1, NM_001408504.1); c.5249+22G>T (NM_001407943.1, NM_001407944.1, NM_001407945.1); c.5323+22G>T (NM_001407748.1, NM_001407752.1, NM_001407734.1 and 18 more transcripts); c.1894+22G>T (NM_001408500.1, NM_001408497.1, NM_001408496.1 and 3 more transcripts); c.5203+22G>T (NM_001407921.1, NM_001407926.1, NM_001407924.1 and 4 more transcripts); c.2014+22G>T (NM_001408466.1, NM_001408460.1, NM_001408465.1 and 7 more transcripts); c.2017+22G>T (NM_001408452.1, NM_001408457.1, NM_001408454.1 and 3 more transcripts); and 83 more.
Identifiers: ClinVar variation 868947 (VCV000868947.3), dbSNP rs779046757, ClinGen allele CA916080728.

Conditions:
Breast-ovarian cancer, familial, susceptibility to, 1 (BROVCA1). Also called: BRCA1 Hereditary Breast and Ovarian Cancer; OVARIAN CANCER, SUSCEPTIBILITY TO. Identifiers: Orphanet 145, MedGen C2676676, MONDO:0011450, OMIM 604370. Disease mechanism: loss of function.

Submission:

Brotman Baty Institute, University of Washington
No classification provided (evidence only). Condition: Breast-ovarian cancer, familial 1. Review status: no classification provided. Collection method: in vitro. Allele origin: not applicable. Functional consequence: functionally_normal.
ClinVar note: "not provided" was previously submitted as the classification for the variant. However, the classification appeared to be based only on an observation of functional data so it was converted to no classification on 2025-07-30.